The following is an entry in ClinVar:

NM_080680.3(COL11A2):c.3830C>G (p.Pro1277Arg)

Gene: COL11A2 (collagen type XI alpha 2 chain; minus strand). Cytogenetic location: 6p21.32.
Variant type: single nucleotide variant.
Coding change: c.3830C>G on transcript NM_080680.3 (MANE Select); coding-DNA position 3830, C replaced by G.
Protein change: p.Pro1277Arg; replaces proline 1277 with arginine.
Molecular consequence: missense variant.
Genome position (GRCh38, 1-based): chr6:33,168,977, G>C on the plus strand (C>G on the coding strand, the complement: COL11A2 is on the minus strand). VCF-style: chr6-33168977-G-C. GRCh37 (hg19) VCF-style: chr6-33136754-G-C.
Other names: c.3509C>G, p.Pro1170Arg (NM_080679.3); c.3572C>G, p.Pro1191Arg (NM_080681.3); short protein forms P1170R, P1191R, P1277R.
Identifiers: ClinVar variation 1306382 (VCV001306382.7), dbSNP rs777156156, ClinGen allele CA137064035.

ClinVar aggregate classification (germline): Conflicting classifications of pathogenicity. Review status: criteria provided, conflicting classifications (1 of 4 stars). 2 submissions from 2 submitters: Uncertain significance (1); Likely benign (1). Last evaluated 2025-11-24.

Allele frequency attached by ClinVar (database versions not stated): TOPMed below 0.00001.
gnomAD v4.1: 3 of 1,609,652 alleles (0.00019%); highest among the groups gnomAD compares: Admixed American, 0.005%; no homozygotes.

Submissions (2):

Labcorp Genetics (formerly Invitae), Labcorp
Classification: Likely benign. Last evaluated: 2025-11-24. Review status: criteria provided, single submitter. Criteria: Invitae Variant Classification Sherloc (09022015). Collection method: clinical testing. Allele origin: germline.

GeneDx
Classification: Uncertain significance. Last evaluated: 2019-06-06. Review status: criteria provided, single submitter. Criteria: GeneDx Variant Classification Process June 2021. Collection method: clinical testing. Allele origin: germline. Affected: yes.
Comment: Not observed at a significant frequency in large population cohorts (Lek et al., 2016); In silico analysis, which includes protein predictors and evolutionary conservation, supports a deleterious effect; Has not been previously published as pathogenic or benign to our knowledge